The following is an entry in ClinVar:

ClinVar aggregate classification (germline): Uncertain significance (1 of 4 stars; one submission).

Conditions:
POLD1-related polyposis and colorectal cancer syndrome (CRCS10). Also called: Colorectal cancer 10; COLORECTAL CANCER, SUSCEPTIBILITY TO, ON CHROMOSOME 19q; Colorectal cancer, susceptibility to, 10. Identifiers: Orphanet 220460, MedGen C2675481, MONDO:0012953, OMIM 612591.

Submission:

Labcorp Genetics (formerly Invitae), Labcorp
Classification: Uncertain significance for POLD1-related polyposis and colorectal cancer syndrome. Last evaluated: 2021-12-11. Review status: criteria provided, single submitter. Criteria: Invitae Variant Classification Sherloc (09022015). Collection method: clinical testing. Allele origin: germline.
Comment: In summary, the available evidence is currently insufficient to determine the role of this variant in disease. Therefore, it has been classified as a Variant of Uncertain Significance. Algorithms developed to predict the effect of missense changes on protein structure and function are either unavailable or do not agree on the potential impact of this missense change (SIFT: "Deleterious"; PolyPhen-2: "Probably Damaging"; Align-GVGD: "Class C0"). This variant has not been reported in the literature in individuals affected with POLD1-related conditions. This variant is not present in population databases (gnomAD no frequency). This sequence change replaces glycine, which is neutral and non-polar, with serine, which is neutral and polar, at codon 1000 of the POLD1 protein (p.Gly1000Ser).

NM_002691.4(POLD1):c.2998G>A (p.Gly1000Ser)

Gene: POLD1 (DNA polymerase delta 1, catalytic subunit; plus strand). Cytogenetic location: 19q13.33.
Variant type: single nucleotide variant.
Coding change: c.2998G>A on transcript NM_002691.4 (MANE Select); coding-DNA position 2998, G replaced by A.
Protein change: p.Gly1000Ser; replaces glycine 1000 with serine.
Molecular consequence: missense variant. On other transcripts: non-coding transcript variant (1).
Genome position (GRCh38, 1-based): chr19:50,416,654, G>A. VCF-style: chr19-50416654-G-A. GRCh37 (hg19) VCF-style: chr19-50919911-G-A.
Other names: c.2998G>A, p.Gly1000Ser (NM_001256849.1); c.3076G>A, p.Gly1026Ser (NM_001308632.1); short protein forms G1000S, G1026S.
Identifiers: ClinVar variation 1512171 (VCV001512171.6), dbSNP rs2122496635, ClinGen allele CA406986892.